The following is an entry in ClinVar:

NM_004036.5(ADCY3):c.1152dup (p.Val385fs)

Gene: ADCY3 (adenylate cyclase 3; minus strand). Cytogenetic location: 2p23.3.
Variant type: Duplication.
Coding change: c.1152dup on transcript NM_004036.5 (MANE Select); coding-DNA position 1152, one base duplicated (C; older notation c.1152dupC).
Protein change: p.Val385fs; shifts the reading frame from valine 385.
Molecular consequence: frameshift variant.
Genome position (GRCh38, 1-based): chr2:24,841,303, G duplicated on the plus strand (C on the coding strand, the reverse complement: ADCY3 is on the minus strand); the first of 2 consecutive G bases (chr2:24,841,303-24,841,304); duplicating either gives the same sequence. VCF-style (leftmost placement, unchanged base first): chr2-24841302-C-CG. GRCh37 (hg19) VCF-style: chr2-25064171-C-CG.
Other names: c.1152dup, p.Val385fs (NM_001320613.2, NM_001377128.1, NM_001377129.1 and 2 more transcripts); c.429dup, p.Val144fs (NM_001377131.1); short protein forms V385fs, V144fs.
Identifiers: ClinVar variation 5001896 (VCV005001896.1).

ClinVar aggregate classification (germline): Likely pathogenic (1 of 4 stars; one submission).

Conditions:
ADCY3-related disorder. Also called: ADCY3-related condition.

Submission:

PreventionGenetics, part of Exact Sciences
Classification: Likely pathogenic for ADCY3-related condition. Last evaluated: 2025-11-18. Review status: criteria provided, single submitter. Criteria: ACMG Guidelines, 2015. Collection method: clinical testing. Allele origin: germline.
Comment: The ADCY3 c.1152dupC variant is predicted to result in a frameshift and premature protein termination (p.Val385Argfs*54). To our knowledge, this variant has not been reported in the literature or in a large population database (gnomAD), indicating this variant is rare. Frameshift variants in ADCY3 are expected to be pathogenic. This variant is interpreted as likely pathogenic.